The following is an entry in ClinVar:

NM_000815.5(GABRD):c.718C>T (p.His240Tyr)

Gene: GABRD (gamma-aminobutyric acid type A receptor subunit delta; plus strand). Cytogenetic location: 1p36.33.
Variant type: single nucleotide variant.
Coding change: c.718C>T on transcript NM_000815.5 (MANE Select); coding-DNA position 718, C replaced by T.
Protein change: p.His240Tyr; replaces histidine 240 with tyrosine.
Molecular consequence: missense variant.
Genome position (GRCh38, 1-based): chr1:2,029,137, C>T. VCF-style: chr1-2029137-C-T. GRCh37 (hg19) VCF-style: chr1-1960576-C-T.
Other names: short protein forms H240Y.
Identifiers: ClinVar variation 1000211 (VCV001000211.8), dbSNP rs1659011884, ClinGen allele CA337958963.

ClinVar aggregate classification (germline): Uncertain significance (1 of 4 stars; one submission).

Conditions:
Idiopathic generalized epilepsy. Also called: Generalised epilepsy; EIG. Identifiers: MedGen C0270850, MONDO:0005579, OMIM 600669.

Allele frequency attached by ClinVar (database versions not stated): gnomAD exomes below 0.00001.

Submission:

Labcorp Genetics (formerly Invitae), Labcorp
Classification: Uncertain significance for Idiopathic generalized epilepsy. Last evaluated: 2020-08-29. Review status: criteria provided, single submitter. Criteria: Invitae Variant Classification Sherloc (09022015). Collection method: clinical testing. Allele origin: germline.
Comment: This sequence change replaces histidine with tyrosine at codon 240 of the GABRD protein (p.His240Tyr). The histidine residue is highly conserved and there is a moderate physicochemical difference between histidine and tyrosine. In summary, the available evidence is currently insufficient to determine the role of this variant in disease. Therefore, it has been classified as a Variant of Uncertain Significance. Algorithms developed to predict the effect of missense changes on protein structure and function output the following: SIFT: "Tolerated"; PolyPhen-2: "Benign"; Align-GVGD: "Class C0". The tyrosine amino acid residue is found in multiple mammalian species, suggesting that this missense change does not adversely affect protein function. These predictions have not been confirmed by published functional studies and their clinical significance is uncertain. This variant has not been reported in the literature in individuals with GABRD-related conditions. This variant is not present in population databases (ExAC no frequency).